The following is an entry in ClinVar:

NM_033022.4(RPS24):c.279+5G>T

Gene: RPS24 (ribosomal protein S24; plus strand). Cytogenetic location: 10q22.3.
Variant type: single nucleotide variant.
Coding change: c.279+5G>T on transcript NM_033022.4 (MANE Select); 5 bases into the intron after coding-DNA position 279, G replaced by T.
Molecular consequence: intron variant.
Genome position (GRCh38, 1-based): chr10:78,035,725, G>T. VCF-style: chr10-78035725-G-T. GRCh37 (hg19) VCF-style: chr10-79795483-G-T.
Other names: c.279+5G>T (NM_001142285.2, NM_001142283.2, NM_001142282.2 and 2 more transcripts).
Identifiers: ClinVar variation 1796034 (VCV001796034.2), dbSNP rs2493281976, ClinGen allele CA2580082273.

ClinVar aggregate classification (germline): Likely pathogenic (1 of 4 stars; one submission).

Conditions:
Diamond-Blackfan anemia. Also called: Blackfan Diamond syndrome; Aregenerative anemia chronic congenital; Red cell aplasia, pure hereditary; Congenital hypoplastic anemia; Aase syndrome. Identifiers: Orphanet 124, MedGen C1260899, MeSH D029503, MONDO:0015253, HP:0004810.

Submission:

Ambry Genetics
Classification: Likely pathogenic for Diamond-Blackfan anemia. Last evaluated: 2019-10-29. Review status: criteria provided, single submitter. Criteria: Ambry Variant Classification Scheme 2023. Collection method: clinical testing. Allele origin: germline.
Comment: The c.279+5G>T intronic variant results from a G to T substitution 5 nucleotides after coding exon 3 in the RPS24 gene. This variant has been determined to be the result of a de novo mutation or germline mosaicism in one family with an isolated case of Diamond-Blackfan Anemia (Ambry internal data). This variant was not reported in population-based cohorts in the Genome Aggregation Database (gnomAD). This nucleotide position is highly conserved in available vertebrate species. Using two different splice site prediction tools, this alteration is predicted by BDGP to abolish the native splice donor site, and is predicted to weaken the efficiency of the native splice donor site by ESEfinder; however, direct evidence is unavailable. Based on the majority of available evidence to date, this variant is likely to be pathogenic.